The following is an entry in ClinVar:

ClinVar aggregate classification (germline): Uncertain significance. Review status: criteria provided, multiple submitters, no conflicts (2 of 4 stars). 2 submissions from 2 submitters: Uncertain significance (2). Last evaluated 2025-04-04.

Conditions:
Inborn genetic diseases. Identifiers: MedGen C0950123, MeSH D030342.

Allele frequency attached by ClinVar (database versions not stated): gnomAD 0.00001.

Submissions (2):

Ambry Genetics
Classification: Uncertain significance for Inborn genetic diseases. Last evaluated: 2025-04-04. Review status: criteria provided, single submitter. Criteria: Ambry Variant Classification Scheme 2023. Collection method: clinical testing. Allele origin: germline.

Labcorp Genetics (formerly Invitae), Labcorp
Classification: Uncertain significance. Last evaluated: 2022-09-27. Review status: criteria provided, single submitter. Criteria: Invitae Variant Classification Sherloc (09022015). Collection method: clinical testing. Allele origin: germline.
Comment: This sequence change replaces glycine, which is neutral and non-polar, with tryptophan, which is neutral and slightly polar, at codon 19 of the MECR protein (p.Gly19Trp). This variant is present in population databases (no rsID available, gnomAD 0.01%). This variant has not been reported in the literature in individuals affected with MECR-related conditions. Algorithms developed to predict the effect of missense changes on protein structure and function output the following: SIFT: "Deleterious"; PolyPhen-2: "Benign"; Align-GVGD: "Class C0". The tryptophan amino acid residue is found in multiple mammalian species, which suggests that this missense change does not adversely affect protein function. In summary, the available evidence is currently insufficient to determine the role of this variant in disease. Therefore, it has been classified as a Variant of Uncertain Significance.

NM_016011.5(MECR):c.55G>T (p.Gly19Trp)

Gene: MECR (mitochondrial trans-2-enoyl-CoA reductase; minus strand). Cytogenetic location: 1p35.3.
Variant type: single nucleotide variant.
Coding change: c.55G>T on transcript NM_016011.5 (MANE Select); coding-DNA position 55, G replaced by T.
Protein change: p.Gly19Trp; replaces glycine 19 with tryptophan.
Molecular consequence: missense variant. On other transcripts: 5 prime UTR variant (6), non-coding transcript variant (4).
Genome position (GRCh38, 1-based): chr1:29,230,852, C>A on the plus strand (G>T on the coding strand, the complement: MECR is on the minus strand). VCF-style: chr1-29230852-C-A. GRCh37 (hg19) VCF-style: chr1-29557364-C-A.
Other names: c.-301G>T (NM_001024732.4); c.-505G>T (NM_001349711.2); c.-506G>T (NM_001349712.2); c.-383G>T (NM_001349713.2); c.-295G>T (NM_001349714.2); c.55G>T, p.Gly19Trp (NM_001349715.2, NM_001349716.2); c.-88G>T (NM_001349717.2); c.55G>T (NM_016011.2); short protein forms G19W.
Identifiers: ClinVar variation 1988773 (VCV001988773.2), dbSNP rs1380049815, ClinGen allele CA339533580.